The following is an entry in ClinVar:

NM_000479.5(AMH):c.1112G>A (p.Trp371Ter)

Gene: AMH (anti-Mullerian hormone; plus strand). Cytogenetic location: 19p13.3.
Variant type: single nucleotide variant.
Coding change: c.1112G>A on transcript NM_000479.5 (MANE Select); coding-DNA position 1112, G replaced by A.
Protein change: p.Trp371Ter; replaces tryptophan 371 with a stop codon.
Molecular consequence: nonsense.
Genome position (GRCh38, 1-based): chr19:2,251,386, G>A. VCF-style: chr19-2251386-G-A. GRCh37 (hg19) VCF-style: chr19-2251385-G-A.
Other names: short protein forms W371*.
Identifiers: ClinVar variation 2138185 (VCV002138185.5), dbSNP rs1461776340, ClinGen allele CA403242135.

ClinVar aggregate classification (germline): Pathogenic. Review status: criteria provided, multiple submitters, no conflicts (2 of 4 stars). 2 submissions from 2 submitters: Pathogenic (2). Last evaluated 2025-02-16.

Allele frequency attached by ClinVar (database versions not stated): TOPMed below 0.00001; gnomAD 0.00001; gnomAD exomes 0.00001.

Submissions (2):

Laboratory of Genetics, Children's Clinical University Hospital Latvia
Classification: Pathogenic. Last evaluated: 2025-02-16. Review status: criteria provided, single submitter. Criteria: ACMG Guidelines, 2015. Collection method: clinical testing. Allele origin: germline. Affected: yes.

Labcorp Genetics (formerly Invitae), Labcorp
Classification: Pathogenic. Last evaluated: 2023-12-07. Review status: criteria provided, single submitter. Criteria: Invitae Variant Classification Sherloc (09022015). Collection method: clinical testing. Allele origin: germline.
Comment: This sequence change creates a premature translational stop signal (p.Trp371*) in the AMH gene. While this is not anticipated to result in nonsense mediated decay, it is expected to disrupt the last 190 amino acid(s) of the AMH protein. This variant is present in population databases (no rsID available, gnomAD 0.03%), including at least one homozygous and/or hemizygous individual. This premature translational stop signal has been observed in individual(s) with persistent Mullerian duct syndrome (PMID: 27899157). ClinVar contains an entry for this variant (Variation ID: 2138185). This variant disrupts a region of the AMH protein in which other variant(s) (p.Glu382* ) have been determined to be pathogenic (PMID: 2023927, 8162013, 28528332). This suggests that this is a clinically significant region of the protein, and that variants that disrupt it are likely to be disease-causing. For these reasons, this variant has been classified as Pathogenic.

Literature cited by the submitters: PubMed 27899157 (cited by Labcorp Genetics (formerly Invitae), Labcorp); PubMed 2023927 (cited by Labcorp Genetics (formerly Invitae), Labcorp); PubMed 8162013 (cited by Labcorp Genetics (formerly Invitae), Labcorp); PubMed 28528332 (cited by Labcorp Genetics (formerly Invitae), Labcorp).